The following is an entry in ClinVar:

NM_020461.4(TUBGCP6):c.3706C>T (p.Arg1236Trp)

Gene: TUBGCP6 (tubulin gamma complex component 6; minus strand). Cytogenetic location: 22q13.33.
Variant type: single nucleotide variant.
Coding change: c.3706C>T on transcript NM_020461.4 (MANE Select); coding-DNA position 3706, C replaced by T.
Protein change: p.Arg1236Trp; replaces arginine 1236 with tryptophan.
Molecular consequence: missense variant.
Genome position (GRCh38, 1-based): chr22:50,220,653, G>A on the plus strand (C>T on the coding strand, the complement: TUBGCP6 is on the minus strand). VCF-style: chr22-50220653-G-A. GRCh37 (hg19) VCF-style: chr22-50659082-G-A.
Other names: short protein forms R1236W.
Identifiers: ClinVar variation 1037007 (VCV001037007.7), dbSNP rs202093025, ClinGen allele CA10307847.

ClinVar aggregate classification (germline): Uncertain significance. Review status: criteria provided, multiple submitters, no conflicts (2 of 4 stars). 2 submissions from 2 submitters: Uncertain significance (2). Last evaluated 2022-10-24.

Allele frequency attached by ClinVar (database versions not stated): gnomAD 0.00001 and 0.00002; ExAC 0.00004; gnomAD exomes 0.00005 and 0.00008; TOPMed 0.00006; ESP Exome Variant Server 0.00008; 1000 Genomes Project 30x 0.00016; 1000 Genomes Project 0.00020.
gnomAD v4.1: 115 of 1,610,358 alleles (0.0071%); highest among the groups gnomAD compares: Middle Eastern, 0.017%; no homozygotes.

Submissions (2):

Labcorp Genetics (formerly Invitae), Labcorp
Classification: Uncertain significance. Last evaluated: 2022-10-24. Review status: criteria provided, single submitter. Criteria: Invitae Variant Classification Sherloc (09022015). Collection method: clinical testing. Allele origin: germline.
Comment: This sequence change replaces arginine, which is basic and polar, with tryptophan, which is neutral and slightly polar, at codon 1236 of the TUBGCP6 protein (p.Arg1236Trp). This variant is present in population databases (rs202093025, gnomAD 0.009%). This variant has not been reported in the literature in individuals affected with TUBGCP6-related conditions. ClinVar contains an entry for this variant (Variation ID: 1037007). Algorithms developed to predict the effect of missense changes on protein structure and function are either unavailable or do not agree on the potential impact of this missense change (SIFT: "Tolerated"; PolyPhen-2: "Possibly Damaging"; Align-GVGD: "Class C0"). In summary, the available evidence is currently insufficient to determine the role of this variant in disease. Therefore, it has been classified as a Variant of Uncertain Significance.

Breakthrough Genomics
Classification: Uncertain significance. Review status: criteria provided, single submitter. Criteria: ACMG Guidelines, 2015. Collection method: not provided. Allele origin: germline. Inheritance: Autosomal dominant inheritance. Affected: yes.